The following is an entry in ClinVar:

NM_001100.4(ACTA1):c.553C>A (p.Arg185Ser)

Gene: ACTA1 (actin alpha 1, skeletal muscle; minus strand). Cytogenetic location: 1q42.13.
Variant type: single nucleotide variant.
Coding change: c.553C>A on transcript NM_001100.4 (MANE Select); coding-DNA position 553, C replaced by A.
Protein change: p.Arg185Ser; replaces arginine 185 with serine.
Molecular consequence: missense variant.
Genome position (GRCh38, 1-based): chr1:229,432,333, G>T on the plus strand (C>A on the coding strand, the complement: ACTA1 is on the minus strand). VCF-style: chr1-229432333-G-T. GRCh37 (hg19) VCF-style: chr1-229568080-G-T.
Other names: short protein forms R185S.
Identifiers: ClinVar variation 420099 (VCV000420099.9), dbSNP rs1064794287, ClinGen allele CA16617084.
Genomic context (GRCh38, chr1:229,432,333, plus strand): 5'-TGGTCACGAAGGAGTAGCCACGCTCAGTGAGGATCTTCATCAGGTAGTCGGTGAGATCGC[G>T]GCCCGCCAGGTCCAGGCGCATGATGGCGTGCGGCAGCGCGTAGCCCTCATAAATGGGCAC-3'
Protein context (NP_001091.1, residues 175-195): HAIMRLDLAG[Arg185Ser]DLTDYLMKIL

ClinVar aggregate classification (germline): Pathogenic/Likely pathogenic. Review status: criteria provided, multiple submitters, no conflicts (2 of 4 stars). 3 submissions from 3 submitters: Pathogenic (2); Likely pathogenic (1). Last evaluated 2026-05-18.

Conditions:
Congenital myopathy 2c, severe infantile, autosomal dominant (CMYO2C). Identifiers: MedGen C5830333, MONDO:0859523, OMIM 620278.
Actin accumulation myopathy (CMYO2A). Also called: CONGENITAL MYOPATHY 2A, TYPICAL, AUTOSOMAL DOMINANT; Myopathy, actin, congenital, with cores; Nemaline myopathy 3, with intranuclear rods; Nemaline myopathy type 3; Myopathy, actin, congenital, with excess of thin myofilaments. Identifiers: Orphanet 98904, MedGen C3711389, MONDO:0008070, OMIM 161800.

Submissions (3):

Institute of Medical Genetics and Applied Genomics, University Hospital Tübingen
Classification: Pathogenic for Congenital myopathy 2c, severe infantile, autosomal dominant. Last evaluated: 2026-05-18. Review status: criteria provided, single submitter. Criteria: ACMG Guidelines, 2015. Collection method: clinical testing. Allele origin: de novo. Inheritance: Autosomal dominant inheritance. Affected: yes.

Labcorp Genetics (formerly Invitae), Labcorp
Classification: Likely pathogenic for Actin accumulation myopathy. Last evaluated: 2021-12-24. Review status: criteria provided, single submitter. Criteria: Invitae Variant Classification Sherloc (09022015). Collection method: clinical testing. Allele origin: germline.
Comment: In summary, the currently available evidence indicates that the variant is pathogenic, but additional data are needed to prove that conclusively. Therefore, this variant has been classified as Likely Pathogenic. This sequence change replaces arginine, which is basic and polar, with serine, which is neutral and polar, at codon 185 of the ACTA1 protein (p.Arg185Ser). This variant is not present in population databases (gnomAD no frequency). This missense change has been observed in individual(s) with autosomal dominant nemaline myopathy (PMID: 12921789). This variant is also known as Arg183Ser. ClinVar contains an entry for this variant (Variation ID: 420099). Advanced modeling of protein sequence and biophysical properties (such as structural, functional, and spatial information, amino acid conservation, physicochemical variation, residue mobility, and thermodynamic stability) performed at Invitae indicates that this missense variant is expected to disrupt ACTA1 protein function. Algorithms developed to predict the effect of sequence changes on RNA splicing suggest that this variant may create or strengthen a splice site. This variant disrupts the p.Arg185 amino acid residue in ACTA1. Other variant(s) that disrupt this residue have been determined to be pathogenic (PMID: 10508519, 15226407, 24313005). This suggests that this residue is clinically significant, and that variants that disrupt this residue are likely to be disease-causing.

GeneDx
Classification: Pathogenic. Last evaluated: 2017-02-10. Review status: criteria provided, single submitter. Criteria: GeneDx Variant Classification (06012015). Collection method: clinical testing. Allele origin: germline. Affected: yes.
Comment: The R185S variant in the ACTA1 gene has been reported previously using alternate nomenclature R183S in the heterozygous state in an individual with severe nemaline myopathy (Sparrow et al., 2003). In addition, missense variants at this same codon (R185C, R185G, R185L) have also been reported in the heterozygous state in individuals with nemaline myopathy (Laing et al., 2009), and the R185C variant, reported as R183C using alternate nomenclature, has also been reported in the somatic mosaic state in an unaffected parent of two infants affected with severe nemaline myopathy (Nowak et al., 1999). The R185S variant is not observed in large population cohorts (Lek et al., 2016; 1000 Genomes Consortium et al., 2015; Exome Variant Server). The R185S variant is a semi-conservative amino acid substitution, which may impact secondary protein structure as these residues differ in some properties. This substitution occurs at a position that is conserved across species, and in silico analysis predicts this variant is probably damaging to the protein structure/function. Furthermore, missense variants in neighboring codons (L180P, D181H, D181N, D181G, A183T, G184D, D186G) have been reported in the Human Gene Mutation Database in association with nemaline myopathy (Stenson et al., 2014), supporting the functional importance of this region of the protein. Therefore, we interpret R185S as a pathogenic variant.

Literature cited by the submitters: PubMed 12921789 (cited by Labcorp Genetics (formerly Invitae), Labcorp); PubMed 10508519 (cited by Labcorp Genetics (formerly Invitae), Labcorp); PubMed 15226407 (cited by Labcorp Genetics (formerly Invitae), Labcorp); PubMed 24313005 (cited by Labcorp Genetics (formerly Invitae), Labcorp).